The following is an entry in ClinVar:

ClinVar aggregate classification (germline): Uncertain significance. Review status: criteria provided, multiple submitters, no conflicts (2 of 4 stars). 2 submissions from 2 submitters: Uncertain significance (2). Last evaluated 2025-05-23.

Conditions:
Kabuki syndrome. Also called: Kabuki make-up syndrome; NIIKAWA-KUROKI SYNDROME. Identifiers: Orphanet 2322, MedGen C0796004, MONDO:0016512.

Submissions (2):

Dasa
Classification: Uncertain significance. Last evaluated: 2025-05-23. Review status: criteria provided, single submitter. Criteria: DASA Assertion Criteria. Collection method: clinical testing. Allele origin: germline.
Comment: NM_003482.4(KMT2D):c.11468C>T (p.Pro3823Leu) is a missense variant that results in the substitution of proline with leucine. This variant is absent from population databases. Computational prediction algorithms are consistent with a benign effect. The currently available literature and clinical evidence are not sufficient to establish a definitive association between this variant and the reported condition. Therefore, this variant is classified as a variant of uncertain significance.

Labcorp Genetics (formerly Invitae), Labcorp
Classification: Uncertain significance for Kabuki syndrome. Last evaluated: 2024-04-09. Review status: criteria provided, single submitter. Criteria: Invitae Variant Classification Sherloc (09022015). Collection method: clinical testing. Allele origin: germline.
Comment: This sequence change replaces proline, which is neutral and non-polar, with leucine, which is neutral and non-polar, at codon 3823 of the KMT2D protein (p.Pro3823Leu). This variant is not present in population databases (gnomAD no frequency). This variant has not been reported in the literature in individuals affected with KMT2D-related conditions. Advanced modeling of protein sequence and biophysical properties (such as structural, functional, and spatial information, amino acid conservation, physicochemical variation, residue mobility, and thermodynamic stability) performed at Invitae indicates that this missense variant is not expected to disrupt KMT2D protein function with a negative predictive value of 95%. In summary, the available evidence is currently insufficient to determine the role of this variant in disease. Therefore, it has been classified as a Variant of Uncertain Significance.

NM_003482.4(KMT2D):c.11468C>T (p.Pro3823Leu)

Gene: KMT2D (lysine methyltransferase 2D; minus strand). Cytogenetic location: 12q13.12.
Variant type: single nucleotide variant.
Coding change: c.11468C>T on transcript NM_003482.4 (MANE Select); coding-DNA position 11468, C replaced by T.
Protein change: p.Pro3823Leu; replaces proline 3823 with leucine.
Molecular consequence: missense variant.
Genome position (GRCh38, 1-based): chr12:49,033,237, G>A on the plus strand (C>T on the coding strand, the complement: KMT2D is on the minus strand). VCF-style: chr12-49033237-G-A. GRCh37 (hg19) VCF-style: chr12-49427020-G-A.
Other names: short protein forms P3823L.
Identifiers: ClinVar variation 3701569 (VCV003701569.4).